The following is an entry in ClinVar:

NM_206933.4(USH2A):c.8328_8329del (p.Gln2778fs)

Gene: USH2A (usherin; minus strand). Cytogenetic location: 1q41.
Variant type: Deletion.
Coding change: c.8328_8329del on transcript NM_206933.4 (MANE Select); coding-DNA positions 8328 to 8329, 2 bases deleted (AA; older notation c.8328_8329delAA).
Protein change: p.Gln2778fs; shifts the reading frame from glutamine 2778.
Molecular consequence: frameshift variant.
Genome position (GRCh38, 1-based): chr1:215,878,993-215,878,994, TT deleted on the plus strand (AA on the coding strand, the reverse complement: USH2A is on the minus strand). VCF-style (leftmost placement, unchanged base first): chr1-215878992-CTT-C. GRCh37 (hg19) VCF-style: chr1-216052334-CTT-C.
Other names: short protein forms Q2778fs.
Identifiers: ClinVar variation 2699705 (VCV002699705.3), dbSNP rs2464717408, ClinGen allele CA2586968214.

ClinVar aggregate classification (germline): Pathogenic (1 of 4 stars; one submission).

Submission:

Labcorp Genetics (formerly Invitae), Labcorp
Classification: Pathogenic. Last evaluated: 2023-12-11. Review status: criteria provided, single submitter. Criteria: Invitae Variant Classification Sherloc (09022015). Collection method: clinical testing. Allele origin: germline.
Comment: This sequence change creates a premature translational stop signal (p.Gln2778Lysfs*10) in the USH2A gene. It is expected to result in an absent or disrupted protein product. Loss-of-function variants in USH2A are known to be pathogenic (PMID: 10729113, 10909849, 20507924, 25649381). This variant is not present in population databases (gnomAD no frequency). This premature translational stop signal has been observed in individual(s) with Usher syndrome (PMID: 37099934). For these reasons, this variant has been classified as Pathogenic.

Literature cited by the submitters: PubMed 10729113; PubMed 10909849; PubMed 20507924; PubMed 25649381; PubMed 37099934.